The following is an entry in ClinVar:

ClinVar aggregate classification (germline): Uncertain significance (1 of 4 stars; one submission).

Conditions:
Hereditary cancer-predisposing syndrome. Also called: Hereditary Cancer Syndrome; Hereditary neoplastic syndrome; Tumor predisposition; Neoplastic Syndromes, Hereditary. Identifiers: Orphanet 140162, MedGen C0027672, MeSH D009386, MONDO:0015356.
Cardiovascular phenotype. Identifiers: MedGen CN230736.

Submission:

Ambry Genetics
Classification: Uncertain significance for Cardiovascular phenotype; Hereditary cancer-predisposing syndrome. Last evaluated: 2024-10-08. Review status: criteria provided, single submitter. Criteria: Ambry Variant Classification Scheme 2023. Collection method: clinical testing. Allele origin: germline.
Comment: The p.G503E variant (also known as c.1508G>A), located in coding exon 14 of the LZTR1 gene, results from a G to A substitution at nucleotide position 1508. The glycine at codon 503 is replaced by glutamic acid, an amino acid with similar properties. This amino acid position is conserved. In addition, this alteration is predicted to be tolerated by in silico analysis. Based on the available evidence, the clinical significance of this variant remains unclear.

NM_006767.4(LZTR1):c.1508G>A (p.Gly503Glu)

Gene: LZTR1 (leucine zipper like post translational regulator 1; plus strand). Cytogenetic location: 22q11.21.
Variant type: single nucleotide variant.
Coding change: c.1508G>A on transcript NM_006767.4 (MANE Select); coding-DNA position 1508, G replaced by A.
Protein change: p.Gly503Glu; replaces glycine 503 with glutamic acid.
Molecular consequence: missense variant.
Genome position (GRCh38, 1-based): chr22:20,994,162, G>A. VCF-style: chr22-20994162-G-A. GRCh37 (hg19) VCF-style: chr22-21348451-G-A.
Other names: short protein forms G503E.
Identifiers: ClinVar variation 3541561 (VCV003541561.1).